The following is an entry in ClinVar:

NM_001130004.2(ACTN1):c.2668A>T (p.Thr890Ser)

Gene: ACTN1 (actinin alpha 1; minus strand). Cytogenetic location: 14q24.1.
Variant type: single nucleotide variant.
Coding change: c.2668A>T on transcript NM_001130004.2 (MANE Select); coding-DNA position 2668, A replaced by T.
Protein change: p.Thr890Ser; replaces threonine 890 with serine.
Molecular consequence: missense variant.
Genome position (GRCh38, 1-based): chr14:68,874,936, T>A on the plus strand (A>T on the coding strand, the complement: ACTN1 is on the minus strand). VCF-style: chr14-68874936-T-A. GRCh37 (hg19) VCF-style: chr14-69341653-T-A.
Other names: p.Thr890Ser; c.2602A>T, p.Thr868Ser (NM_001102.4); c.2587A>T, p.Thr863Ser (NM_001130005.2); c.2611A>T, p.Thr871Ser (NM_001411035.1); c.2407A>T, p.Thr803Ser (NM_001411036.1); short protein forms T863S, T803S, T868S, T890S, T871S.
Identifiers: ClinVar variation 2014611 (VCV002014611.5), dbSNP rs11557769, ClinGen allele CA7241880.

ClinVar aggregate classification (germline): Benign. Review status: criteria provided, multiple submitters, no conflicts (2 of 4 stars). 2 submissions from 2 submitters: Benign (2). Last evaluated 2026-02-01.

Allele frequency attached by ClinVar (database versions not stated): gnomAD exomes 0.01403; 1000 Genomes Project 30x 0.00625; ExAC 0.01073; TOPMed 0.01321; 1000 Genomes Project 0.00619; gnomAD 0.01054; ESP Exome Variant Server 0.01215.
gnomAD v4.1: 22,194 of 1,612,820 alleles (1.4%); highest among the groups gnomAD compares: Middle Eastern, 1.8%; 205 homozygotes.

Submissions (2):

Labcorp Genetics (formerly Invitae), Labcorp
Classification: Benign. Last evaluated: 2026-02-01. Review status: criteria provided, single submitter. Criteria: Invitae Variant Classification Sherloc (09022015). Collection method: clinical testing. Allele origin: germline.

Mayo Clinic Laboratories, Mayo Clinic
Classification: Benign. Last evaluated: 2023-10-17. Review status: criteria provided, single submitter. Criteria: ACMG Guidelines, 2015. Collection method: clinical testing. Allele origin: germline. Observed: 24 variant alleles.
Comment: BS1, BS2, BP4